The following is an entry in ClinVar:

ClinVar aggregate classification (germline): Uncertain significance. Review status: criteria provided, multiple submitters, no conflicts (2 of 4 stars). 2 submissions from 2 submitters: Uncertain significance (2). Last evaluated 2021-07-16.

Conditions:
Hereditary sensory and autonomic neuropathy type 6. Also called: HSAN VI; Neuropathy, hereditary sensory and autonomic, type VI. Identifiers: Orphanet 314381, MedGen C3539003, MONDO:0013839, OMIM 614653.
Epidermolysis bullosa simplex 3, localized or generalized intermediate, with BP230 deficiency (EBS3). Also called: Epidermolysis bullosa simplex, autosomal recessive 2; Epidermolysis bullosa simplex due to BP230 deficiency. Identifiers: Orphanet 412181, MedGen C3809470, MONDO:0014180, OMIM 615425.
Inborn genetic diseases. Identifiers: MedGen C0950123, MeSH D030342.

Allele frequency attached by ClinVar (database versions not stated): TOPMed 0.00001; gnomAD 0.00002; gnomAD exomes 0.00002 and 0.00004; ExAC 0.00003; ESP Exome Variant Server 0.00008.
gnomAD v4.1: 40 of 1,613,680 alleles (0.0025%); highest among the groups gnomAD compares: Non-Finnish European, 0.00042%; no homozygotes.

Submissions (2):

Labcorp Genetics (formerly Invitae), Labcorp
Classification: Uncertain significance for Epidermolysis bullosa simplex 3, localized or generalized intermediate, with BP230 deficiency; Hereditary sensory and autonomic neuropathy type 6. Last evaluated: 2021-07-16. Review status: criteria provided, single submitter. Criteria: Invitae Variant Classification Sherloc (09022015). Collection method: clinical testing. Allele origin: germline.
Comment: In summary, the available evidence is currently insufficient to determine the role of this variant in disease. Therefore, it has been classified as a Variant of Uncertain Significance. Experimental studies and prediction algorithms are not available or were not evaluated, and the functional significance of this variant is currently unknown. This variant has not been reported in the literature in individuals affected with DST-related conditions. This variant is present in population databases (rs375741323, ExAC 0.006%). This sequence change replaces leucine with valine at codon 3302 of the DST protein (p.Leu3302Val). The DST gene has multiple clinically relevant transcripts. This variant occurs in alternate transcript NM_015548.4, and corresponds to NM_001723.5:c.*87875C>G in the primary transcript.

Ambry Genetics
Classification: Uncertain significance for Inborn genetic diseases. Last evaluated: 2020-12-31. Review status: criteria provided, single submitter. Criteria: Ambry Variant Classification Scheme 2023. Collection method: clinical testing. Allele origin: germline.
Comment: The p.L3806V variant (also known as c.11416C>G), located in coding exon 62 of the DST gene, results from a C to G substitution at nucleotide position 11416. The leucine at codon 3806 is replaced by valine, an amino acid with highly similar properties. This amino acid position is highly conserved in available vertebrate species. In addition, the in silico prediction for this alteration is inconclusive. Since supporting evidence is limited at this time, the clinical significance of this alteration remains unclear.

NM_001374736.1(DST):c.17773C>G (p.Leu5925Val)

Gene: DST (dystonin; minus strand). Cytogenetic location: 6p12.1.
Variant type: single nucleotide variant.
Coding change: c.17773C>G on transcript NM_001374736.1 (MANE Select); coding-DNA position 17773, C replaced by G.
Protein change: p.Leu5925Val; replaces leucine 5925 with valine.
Molecular consequence: missense variant.
Genome position (GRCh38, 1-based): chr6:56,527,642, G>C on the plus strand (C>G on the coding strand, the complement: DST is on the minus strand). VCF-style: chr6-56527642-G-C. GRCh37 (hg19) VCF-style: chr6-56392440-G-C.
Other names: c.11416C>G, p.Leu3806Val (NM_001144769.5); c.11002C>G, p.Leu3668Val (NM_001144770.2); c.17773C>G, p.Leu5925Val (NM_001374722.1); c.16813C>G, p.Leu5605Val (NM_001374729.1); c.10555C>G, p.Leu3519Val (NM_001374730.1); c.17800C>G, p.Leu5934Val (NM_001374734.1); c.10882C>G, p.Leu3628Val (NM_001386100.1, NM_183380.4); c.9904C>G, p.Leu3302Val (NM_015548.5); short protein forms L3628V, L3806V, L3668V, L5925V, L5605V, L3302V, L3519V, L5934V.
Identifiers: ClinVar variation 1450510 (VCV001450510.8), dbSNP rs375741323, ClinGen allele CA3867369.